The following is an entry in ClinVar:

NM_006648.4(WNK2):c.6271A>G (p.Ser2091Gly)

Gene: WNK2 (WNK lysine deficient protein kinase 2; plus strand). Cytogenetic location: 9q22.31.
Variant type: single nucleotide variant.
Coding change: c.6271A>G on transcript NM_006648.4 (MANE Select); coding-DNA position 6271, A replaced by G.
Protein change: p.Ser2091Gly; replaces serine 2091 with glycine.
Molecular consequence: missense variant.
Genome position (GRCh38, 1-based): chr9:93,308,339, A>G. VCF-style: chr9-93308339-A-G. GRCh37 (hg19) VCF-style: chr9-96070621-A-G.
Other names: c.6382A>G, p.Ser2128Gly (NM_001282394.3); short protein forms S2128G, S2091G.
Identifiers: ClinVar variation 5031874 (VCV005031874.1).

ClinVar aggregate classification (germline): Uncertain significance (1 of 4 stars; one submission).

Submission:

Ambry Genetics
Classification: Uncertain significance. Last evaluated: 2026-07-21. Review status: criteria provided, single submitter. Criteria: Ambry Variant Classification Scheme 2023. Collection method: clinical testing. Allele origin: germline.
Comment: The p.S2091G variant (also known as c.6271A>G), located in coding exon 27 of the WNK2 gene, results from an A to G substitution at nucleotide position 6271. The serine at codon 2091 is replaced by glycine, an amino acid with similar properties. This amino acid position is conserved. In addition, this alteration is predicted to be tolerated by in silico analysis. Based on the available evidence, the clinical significance of this variant remains unclear.